The following is an entry in ClinVar:

NM_000141.5(FGFR2):c.1746C>T (p.Pro582=)

Gene: FGFR2 (fibroblast growth factor receptor 2; minus strand). Cytogenetic location: 10q26.13.
Variant type: single nucleotide variant.
Coding change: c.1746C>T on transcript NM_000141.5 (MANE Select); coding-DNA position 1746, C replaced by T.
Protein change: p.Pro582=; no amino-acid change (proline 582 retained).
Molecular consequence: synonymous variant. On other transcripts: non-coding transcript variant (1).
Genome position (GRCh38, 1-based): chr10:121,496,649, G>A on the plus strand (C>T on the coding strand, the complement: FGFR2 is on the minus strand). VCF-style: chr10-121496649-G-A. GRCh37 (hg19) VCF-style: chr10-123256163-G-A.
Other names: c.1749C>T, p.Pro583= (NM_001144913.1, NM_022970.4); c.1410C>T, p.Pro470= (NM_001144914.1); c.1479C>T, p.Pro493= (NM_001144915.2, NM_023029.3); c.1401C>T, p.Pro467= (NM_001144916.2); c.1398C>T, p.Pro466= (NM_001144917.2); c.1395C>T, p.Pro465= (NM_001144918.2); c.1482C>T, p.Pro494= (NM_001144919.2); c.1062C>T, p.Pro354= (NM_001320654.2); and 1 more.
Identifiers: ClinVar variation 1091719 (VCV001091719.13), dbSNP rs369850306, ClinGen allele CA5720658.

ClinVar aggregate classification (germline): Likely benign. Review status: criteria provided, multiple submitters, no conflicts (2 of 4 stars). 4 submissions from 4 submitters: Likely benign (3). 1 of the submissions does not count toward it. Last evaluated 2025-08-14.

Conditions:
FGFR2-related disorder. Identifiers: MedGen CN380096.
FGFR2-related craniosynostosis. Identifiers: MedGen CN231480.
Antley-Bixler syndrome without genital anomalies or disordered steroidogenesis (ABS2). Also called: Trapezoidocephaly synostosis syndrome; Osteodysgenesis, multisynostotic with fractures; MULTISYNOSTOTIC OSTEODYSGENESIS WITH LONG BONE FRACTURES; Antley-Bixler Syndrome, Autosomal Dominant. Identifiers: Orphanet 596008, Orphanet 83, MedGen C2936791, MONDO:0020667, OMIM 207410.
Saethre-Chotzen syndrome (SCS). Also called: ACROCEPHALY, SKULL ASYMMETRY, AND MILD SYNDACTYLY; ACS III; CHOTZEN SYNDROME. Identifiers: Orphanet 794, MedGen C0175699, MONDO:0007042, OMIM 101400.
Familial scaphocephaly syndrome, McGillivray type. Also called: SCAPHOCEPHALY, MAXILLARY RETRUSION, AND IMPAIRED INTELLECTUAL DEVELOPMENT. Identifiers: Orphanet 168624, MedGen C1865070, MONDO:0012307, OMIM 609579.
Jackson-Weiss syndrome (JWS). Also called: CRANIOSYNOSTOSIS, MIDFACIAL HYPOPLASIA, AND FOOT ABNORMALITIES. Identifiers: Orphanet 1540, MedGen C0795998, MONDO:0007400, OMIM 123150. Disease mechanism: loss of function.
Levy-Hollister syndrome (LADD). Also called: LADD syndrome. Identifiers: Orphanet 2363, MedGen C0265269, MONDO:0007872.
Pfeiffer syndrome (ACS5). Also called: ACS V. Identifiers: Orphanet 710, MedGen C0220658, MONDO:0007043, OMIM 101600.
Gastric cancer. Also called: Malignant tumor of stomach; Stomach cancer. Identifiers: MedGen C0024623, MeSH D013274, MONDO:0001056, OMIM 613659, HP:0012126.
Acrocephalosyndactyly type I (ACS1). Also called: Apert syndrome; Acrocephalo-syndactyly type 1; ACS 1; Syndactylic oxycephaly. Identifiers: Orphanet 87, MedGen C0001193, MONDO:0007041, OMIM 101200.
Beare-Stevenson cutis gyrata syndrome (BSTVS). Identifiers: Orphanet 1555, MedGen C1852406, MONDO:0007412, OMIM 123790.
Crouzon syndrome. Also called: Craniofacial dysostosis; Craniofacial dysostosis type 1; Crouzon craniofacial dysostosis; Crouzon disease; CRANIOFACIAL DYSOSTOSIS, TYPE I. Identifiers: Orphanet 207, MedGen C0010273, MeSH D003394, MONDO:0007405, OMIM 123500, HP:0004439.
Bent bone dysplasia syndrome 1 (BBDS1). Also called: FGFR2-related bent bone dysplasia. Identifiers: Orphanet 313855, MedGen C3281247, MONDO:0013815, OMIM 614592.

Allele frequency attached by ClinVar (database versions not stated): TOPMed 0.00006; ExAC 0.00007; ESP Exome Variant Server 0.00008; 1000 Genomes Project 30x 0.00016; 1000 Genomes Project 0.00020.
gnomAD v4.1: 92 of 1,612,434 alleles (0.0057%); highest among the groups gnomAD compares: South Asian, 0.054%; 1 homozygote.

Submissions (4):

Labcorp Genetics (formerly Invitae), Labcorp
Classification: Likely benign for FGFR2-related craniosynostosis. Last evaluated: 2025-08-14. Review status: criteria provided, single submitter. Criteria: Invitae Variant Classification Sherloc (09022015). Collection method: clinical testing. Allele origin: germline.

Blueprint Genetics
Classification: Likely benign. Last evaluated: 2023-05-31. Review status: criteria provided, single submitter. Criteria: ACMG Guidelines, 2015. Collection method: clinical testing. Allele origin: germline.

Fulgent Genetics
Classification: Likely benign for Acrocephalosyndactyly type I; Saethre-Chotzen syndrome; Pfeiffer syndrome; Jackson-Weiss syndrome; Crouzon syndrome; Beare-Stevenson cutis gyrata syndrome; LADD syndrome 1; Antley-Bixler syndrome without genital anomalies or disordered steroidogenesis; Familial scaphocephaly syndrome, McGillivray type; Gastric cancer; Bent bone dysplasia syndrome 1. Last evaluated: 2021-08-19. Review status: criteria provided, single submitter. Criteria: ACMG Guidelines, 2015. Collection method: clinical testing. Allele origin: unknown.

PreventionGenetics, part of Exact Sciences
Classification: Likely benign for FGFR2-related condition. Last evaluated: 2020-06-12. Review status: no assertion criteria provided. Collection method: clinical testing. Allele origin: germline. Not counted in ClinVar's aggregate classification.
Comment: This variant is classified as likely benign based on ACMG/AMP sequence variant interpretation guidelines (Richards et al. 2015 PMID: 25741868, with internal and published modifications).